The following is an entry in ClinVar:

ClinVar aggregate classification (germline): Uncertain significance (1 of 4 stars; one submission).

Conditions:
Hajdu-Cheney syndrome (HJCYS). Also called: Acroosteolysis dominant type; ACROOSTEOLYSIS WITH OSTEOPOROSIS AND CHANGES IN SKULL AND MANDIBLE; SERPENTINE FIBULA-POLYCYSTIC KIDNEY SYNDROME. Identifiers: Orphanet 955, MedGen C0917715, MONDO:0007057, OMIM 102500.

Submission:

Labcorp Genetics (formerly Invitae), Labcorp
Classification: Uncertain significance for Hajdu-Cheney syndrome. Last evaluated: 2023-07-04. Review status: criteria provided, single submitter. Criteria: Invitae Variant Classification Sherloc (09022015). Collection method: clinical testing. Allele origin: germline.
Comment: This variant is not present in population databases (gnomAD no frequency). This sequence change falls in intron 6 of the NOTCH2 gene. It does not directly change the encoded amino acid sequence of the NOTCH2 protein. It affects a nucleotide within the consensus splice site. Variants that disrupt the consensus splice site are a relatively common cause of aberrant splicing (PMID: 17576681, 9536098). Algorithms developed to predict the effect of sequence changes on RNA splicing suggest that this variant may disrupt the consensus splice site. In summary, the available evidence is currently insufficient to determine the role of this variant in disease. Therefore, it has been classified as a Variant of Uncertain Significance. This variant has not been reported in the literature in individuals affected with NOTCH2-related conditions.

Literature cited by the submitters: PubMed 17576681; PubMed 9536098.

NM_024408.4(NOTCH2):c.1108+5G>A

Gene: NOTCH2 (notch receptor 2; minus strand). Cytogenetic location: 1p12.
Variant type: single nucleotide variant.
Coding change: c.1108+5G>A on transcript NM_024408.4 (MANE Select); 5 bases into the intron after coding-DNA position 1108, G replaced by A.
Molecular consequence: intron variant.
Genome position (GRCh38, 1-based): chr1:119,969,506, C>T on the plus strand (G>A on the coding strand, the complement: NOTCH2 is on the minus strand). VCF-style: chr1-119969506-C-T. GRCh37 (hg19) VCF-style: chr1-120512129-C-T.
Other names: c.1108+5G>A (NM_001200001.2).
Identifiers: ClinVar variation 2720964 (VCV002720964.3), dbSNP rs2526312707, ClinGen allele CA2697554487.